The following is an entry in ClinVar:

ClinVar aggregate classification (germline): Benign (0 of 4 stars; one submission).

Conditions:
Holoprosencephaly 4 (HPE4). Identifiers: Orphanet 2162, MedGen C1840528, MONDO:0007734, OMIM 142946.

Submission:

GeneReviews
Classification: Benign for Holoprosencephaly. Last evaluated: 2013-08-29. Review status: no assertion criteria provided. Collection method: curation. Allele origin: unknown.
ClinVar note: Converted during submission from non-pathogenic to Benign.

TGIF1:c.887C>T

Variant type: single nucleotide variant.
Other names: 887C>T.
Identifiers: ClinVar variation 65504 (VCV000065504.3).